The following is an entry in ClinVar:

NM_000179.3(MSH6):c.141_142dup (p.Ala48fs)

Gene: MSH6 (mutS homolog 6; plus strand). Cytogenetic location: 2p16.3.
Variant type: Duplication.
Coding change: c.141_142dup on transcript NM_000179.3 (MANE Select); coding-DNA positions 141 to 142, 2 bases duplicated (TG; older notation c.141_142dupTG).
Protein change: p.Ala48fs; shifts the reading frame from alanine 48.
Molecular consequence: frameshift variant. On other transcripts: 5 prime UTR variant (7), non-coding transcript variant (5), intron variant (5).
Genome position (GRCh38, 1-based): chr2:47,783,374-47,783,375, TG duplicated. VCF-style (leftmost placement, unchanged base first): chr2-47783373-A-ATG. GRCh37 (hg19) VCF-style: chr2-48010512-A-ATG.
Other names: c.141_142dupTG (NM_000179.2); c.86_87dup, p.Arg30fs (NM_001406804.1); c.-788_-787dup (NM_001406807.1); c.141_142dup, p.Ala48fs (NM_001406808.1, NM_001406809.1, NM_001406813.1 and 9 more transcripts); c.-596_-595dup (NM_001406811.1, NM_001281493.2); c.-443_-442dup (NM_001406812.1); c.-854_-853dup (NM_001406814.1); c.-399_-398dup (NM_001406816.1); and 4 more; short protein forms R30fs, A48fs.
Identifiers: ClinVar variation 4825265 (VCV004825265.1).

ClinVar aggregate classification (germline): Pathogenic (1 of 4 stars; one submission).

Conditions:
Hereditary cancer-predisposing syndrome. Also called: Neoplastic Syndromes, Hereditary; Tumor predisposition; Hereditary Cancer Syndrome; Hereditary neoplastic syndrome. Identifiers: Orphanet 140162, MedGen C0027672, MeSH D009386, MONDO:0015356.

Submission:

Ambry Genetics
Classification: Pathogenic for Hereditary cancer-predisposing syndrome. Last evaluated: 2026-02-17. Review status: criteria provided, single submitter. Criteria: Ambry Variant Classification Scheme 2023. Collection method: clinical testing. Allele origin: germline.
Comment: The c.141_142dupTG pathogenic mutation, located in coding exon 1 of the MSH6 gene, results from a duplication of TG at nucleotide position 141, causing a translational frameshift with a predicted alternate stop codon (p.A48Vfs*34). This variant is considered to be rare based on population cohorts in the Genome Aggregation Database (gnomAD). This alteration is expected to result in loss of function by premature protein truncation or nonsense-mediated mRNA decay. As such, this alteration is interpreted as a disease-causing mutation.